The following is an entry in ClinVar:

NC_000016.10:g.780698T>G

Variant type: single nucleotide variant.
Genome position: GRCh38 VCF-style: chr16-780698-T-G. GRCh37 (hg19) VCF-style: chr16-830698-T-G.
Identifiers: ClinVar variation 4872375 (VCV004872375.2).

ClinVar aggregate classification (germline): Likely benign (1 of 4 stars; one submission).

Submission:

CeGaT Center for Human Genetics Tuebingen
Classification: Likely benign. Last evaluated: 2026-05-01. Review status: criteria provided, single submitter. Criteria: CeGaT Center For Human Genetics Tuebingen Variant Classification Criteria Version 2. Collection method: clinical testing. Allele origin: germline. Affected: yes. Observed: 1 variant allele.
Comment: MSLNL: BP4, BP7